The following is an entry in ClinVar:

NM_006088.6(TUBB4B):c.-18GCC[4]

Gene: TUBB4B (tubulin beta 4B class IVb; plus strand). Cytogenetic location: 9q34.3.
Variant type: Microsatellite.
Coding change: c.-18GCC[4] on transcript NM_006088.6 (MANE Select); four copies in a row of the 3-base unit GCC starting at c.-18; the reference has five copies in a row; one copy, 3 bases deleted.
Molecular consequence: 5 prime UTR variant.
Genome position (GRCh38, 1-based): chr9:137,241,355-137,241,357, GCC deleted; deleting any 3 consecutive bases within chr9:137,241,341-137,241,357 gives the same sequence; the position shown is the placement nearest the transcript's 3' end. VCF-style (leftmost placement, unchanged base first): chr9-137241340-CCCG-C. GRCh37 (hg19) VCF-style: chr9-140135792-CCCG-C.
Identifiers: ClinVar variation 3041694 (VCV003041694.16), dbSNP rs370341505, ClinGen allele CA5365091.

ClinVar aggregate classification (germline): Likely benign. Review status: criteria provided, single submitter (1 of 4 stars). 2 submissions from 2 submitters: Likely benign (1). 1 of the submissions does not count toward it. Last evaluated 2026-06-01.

Conditions:
TUBB4B-related disorder. Also called: TUBB4B-related condition.

Submissions (2):

CeGaT Center for Human Genetics Tuebingen
Classification: Likely benign. Last evaluated: 2026-06-01. Review status: criteria provided, single submitter. Criteria: CeGaT Center For Human Genetics Tuebingen Variant Classification Criteria Version 2. Collection method: clinical testing. Allele origin: germline. Affected: yes. Observed: 3 variant alleles.
Comment: TUBB4B: BP4, BS2

PreventionGenetics, part of Exact Sciences
Classification: Benign for TUBB4B-related condition. Last evaluated: 2019-09-19. Review status: no assertion criteria provided. Collection method: clinical testing. Allele origin: germline. Not counted in ClinVar's aggregate classification.
Comment: This variant is classified as benign based on ACMG/AMP sequence variant interpretation guidelines (Richards et al. 2015 PMID: 25741868, with internal and published modifications).